The following is an entry in ClinVar:

ClinVar aggregate classification (germline): Likely benign. Review status: criteria provided, multiple submitters, no conflicts (2 of 4 stars). 2 submissions from 2 submitters: Likely benign (2). Last evaluated 2025-01-15.

Conditions:
Wilson disease (WND). Also called: Wilson's disease. Identifiers: Orphanet 905, MedGen C0019202, MONDO:0010200, OMIM 277900. Disease mechanism: loss of function.

gnomAD v4.1: 10 of 1,614,188 alleles (0.00062%); highest among the groups gnomAD compares: Non-Finnish European, 0.00085%; no homozygotes.

Submissions (2):

Labcorp Genetics (formerly Invitae), Labcorp
Classification: Likely benign for Wilson disease. Last evaluated: 2025-01-15. Review status: criteria provided, single submitter. Criteria: Invitae Variant Classification Sherloc (09022015). Collection method: clinical testing. Allele origin: germline.

All of Us Research Program, National Institutes of Health
Classification: Likely benign for Wilson disease. Last evaluated: 2024-05-30. Review status: criteria provided, single submitter. Criteria: ACMG Guidelines, 2015. Collection method: clinical testing. Allele origin: germline. Inheritance: Autosomal recessive inheritance. Observed: 3 variant alleles, 3 heterozygotes.
Comment: This study involves interpretation of variants in research participants for the purpose of population health screening. Participant phenotype was not available at the time of variant classification. Additional details can be found in publication PMID: 35346344, PMCID: PMC8962531

NM_000053.4(ATP7B):c.2325C>A (p.Ala775=)

Gene: ATP7B (ATPase copper transporting beta; minus strand). Cytogenetic location: 13q14.3.
Variant type: single nucleotide variant.
Coding change: c.2325C>A on transcript NM_000053.4 (MANE Select); coding-DNA position 2325, C replaced by A.
Protein change: p.Ala775=; no amino-acid change (alanine 775 retained).
Molecular consequence: synonymous variant. On other transcripts: intron variant (2).
Genome position (GRCh38, 1-based): chr13:51,958,341, G>T on the plus strand (C>A on the coding strand, the complement: ATP7B is on the minus strand). VCF-style: chr13-51958341-G-T. GRCh37 (hg19) VCF-style: chr13-52532477-G-T.
Other names: c.1870-734C>A (NM_001005918.3); c.2122-734C>A (NM_001330578.2); c.1992C>A, p.Ala664= (NM_001243182.2); c.2073C>A, p.Ala691= (NM_001330579.2).
Identifiers: ClinVar variation 746047 (VCV000746047.12), dbSNP rs755218710, ClinGen allele CA250059958.
Genomic context (GRCh38, chr13:51,958,341, plus strand): 5'-GCTCTTTTCTGAACCTGAAGCTGCTGTTACCTTTGCCAAGTGTTCCAGCCACCGGCCCAG[G>T]GCAATGAACACAAAGAGCATGGGGGGCGTGTCGAAGAATGTCACAGGGCTCCTCTCCGCC-3'
Protein context (NP_000044.2, residues 765-785): DTPPMLFVFI[Ala775=]LGRWLEHLAK